The following is an entry in ClinVar:

NM_001128840.3(CACNA1D):c.4685C>T (p.Thr1562Ile)

Gene: CACNA1D (calcium voltage-gated channel subunit alpha1 D; plus strand). Cytogenetic location: 3p21.1.
Variant type: single nucleotide variant.
Coding change: c.4685C>T on transcript NM_001128840.3 (MANE Select); coding-DNA position 4685, C replaced by T.
Protein change: p.Thr1562Ile; replaces threonine 1562 with isoleucine.
Molecular consequence: missense variant.
Genome position (GRCh38, 1-based): chr3:53,780,123, C>T. VCF-style: chr3-53780123-C-T. GRCh37 (hg19) VCF-style: chr3-53814150-C-T.
Other names: c.4745C>T, p.Thr1582Ile (NM_000720.4); c.4640C>T, p.Thr1547Ile (NM_001128839.3); c.4745C>T (NM_000720.2); short protein forms T1547I, T1562I, T1582I.
Identifiers: ClinVar variation 1424000 (VCV001424000.9), dbSNP rs199780299, ClinGen allele CA2454944.

ClinVar aggregate classification (germline): Uncertain significance. Review status: criteria provided, multiple submitters, no conflicts (2 of 4 stars). 2 submissions from 2 submitters: Uncertain significance (2). Last evaluated 2025-04-24.

Allele frequency attached by ClinVar (database versions not stated): gnomAD 0.00001 and 0.00002; gnomAD exomes 0.00002 and 0.00003; TOPMed 0.00002; ExAC 0.00005.
gnomAD v4.1: 37 of 1,610,912 alleles (0.0023%); highest among the groups gnomAD compares: Non-Finnish European, 0.003%; no homozygotes.

Submissions (2):

Labcorp Genetics (formerly Invitae), Labcorp
Classification: Uncertain significance. Last evaluated: 2025-04-24. Review status: criteria provided, single submitter. Criteria: Invitae Variant Classification Sherloc (09022015). Collection method: clinical testing. Allele origin: germline.
Comment: This sequence change replaces threonine, which is neutral and polar, with isoleucine, which is neutral and non-polar, at codon 1582 of the CACNA1D protein (p.Thr1582Ile). This variant is present in population databases (rs199780299, gnomAD 0.005%). This variant has not been reported in the literature in individuals affected with CACNA1D-related conditions. ClinVar contains an entry for this variant (Variation ID: 1424000). Invitae Evidence Modeling of protein sequence and biophysical properties (such as structural, functional, and spatial information, amino acid conservation, physicochemical variation, residue mobility, and thermodynamic stability) indicates that this missense variant is not expected to disrupt CACNA1D protein function with a negative predictive value of 80%. In summary, the available evidence is currently insufficient to determine the role of this variant in disease. Therefore, it has been classified as a Variant of Uncertain Significance.

GeneDx
Classification: Uncertain significance. Last evaluated: 2025-02-06. Review status: criteria provided, single submitter. Criteria: GeneDx Variant Classification Process June 2021. Collection method: clinical testing. Allele origin: germline. Affected: yes.
Comment: In silico analysis supports that this missense variant has a deleterious effect on protein structure/function; Has not been previously published as pathogenic or benign to our knowledge